The following is an entry in ClinVar:

NM_022916.6(VPS33A):c.811A>G (p.Lys271Glu)

Gene: VPS33A (VPS33A core subunit of CORVET and HOPS complexes; minus strand). Cytogenetic location: 12q24.31.
Variant type: single nucleotide variant.
Coding change: c.811A>G on transcript NM_022916.6 (MANE Select); coding-DNA position 811, A replaced by G.
Protein change: p.Lys271Glu; replaces lysine 271 with glutamic acid.
Molecular consequence: missense variant. On other transcripts: intron variant (1).
Genome position (GRCh38, 1-based): chr12:122,244,727, T>C on the plus strand (A>G on the coding strand, the complement: VPS33A is on the minus strand). VCF-style: chr12-122244727-T-C. GRCh37 (hg19) VCF-style: chr12-122729274-T-C.
Other names: c.778A>G, p.Lys260Glu (NM_001351018.2); c.763A>G, p.Lys255Glu (NM_001351019.2); c.776-4782A>G (NM_001351020.2); short protein forms K255E, K271E, K260E.
Identifiers: ClinVar variation 1909725 (VCV001909725.3), dbSNP rs942782902, ClinGen allele CA244735421.

ClinVar aggregate classification (germline): Uncertain significance (1 of 4 stars; one submission).

Allele frequency attached by ClinVar (database versions not stated): TOPMed 0.00001.

Submission:

Labcorp Genetics (formerly Invitae), Labcorp
Classification: Uncertain significance. Last evaluated: 2022-02-20. Review status: criteria provided, single submitter. Criteria: Invitae Variant Classification Sherloc (09022015). Collection method: clinical testing. Allele origin: germline.
Comment: In summary, the available evidence is currently insufficient to determine the role of this variant in disease. Therefore, it has been classified as a Variant of Uncertain Significance. Algorithms developed to predict the effect of missense changes on protein structure and function (SIFT, PolyPhen-2, Align-GVGD) all suggest that this variant is likely to be tolerated. This variant has not been reported in the literature in individuals affected with VPS33A-related conditions. This variant is not present in population databases (gnomAD no frequency). This sequence change replaces lysine, which is basic and polar, with glutamic acid, which is acidic and polar, at codon 271 of the VPS33A protein (p.Lys271Glu).